The following is an entry in ClinVar:

NM_000238.4(KCNH2):c.1335T>G (p.Cys445Trp)

Gene: KCNH2 (potassium voltage-gated channel subfamily H member 2; minus strand). Cytogenetic location: 7q36.1.
Variant type: single nucleotide variant.
Coding change: c.1335T>G on transcript NM_000238.4 (MANE Select); coding-DNA position 1335, T replaced by G.
Protein change: p.Cys445Trp; replaces cysteine 445 with tryptophan.
Molecular consequence: missense variant. On other transcripts: non-coding transcript variant (2).
Genome position (GRCh38, 1-based): chr7:150,952,647, A>C on the plus strand (T>G on the coding strand, the complement: KCNH2 is on the minus strand). VCF-style: chr7-150952647-A-C. GRCh37 (hg19) VCF-style: chr7-150649735-A-C.
Other names: c.315T>G, p.Cys105Trp (NM_001204798.2, NM_172057.3); c.1047T>G, p.Cys349Trp (NM_001406753.1, NM_001406756.1); c.1158T>G, p.Cys386Trp (NM_001406755.1); c.1035T>G, p.Cys345Trp (NM_001406757.1); c.1335T>G, p.Cys445Trp (NM_172056.3); short protein forms C105W, C349W, C345W, C386W, C445W.
Identifiers: ClinVar variation 4698392 (VCV004698392.1).
Genomic context (GRCh38, chr7:150,952,647, plus strand): 5'-CACAATGAACATGATGTCCACGATGAGGTCCACCACAGCCAGCGGCTGGCAGGCGTAGCC[A>C]CACTCGGTAGCAGGCGGGCCTTCTTCCGTCTCCTTCAGCAGGAAGGCAGCCGAGTAGGGT-3'
Protein context (NP_000229.1, residues 435-455): ETEEGPPATE[Cys445Trp]GYACQPLAVV

ClinVar aggregate classification (germline): Uncertain significance (1 of 4 stars; one submission).

Conditions:
Long QT syndrome (LQTS). Identifiers: MedGen C0023976, MeSH D008133, MONDO:0002442. Disease mechanism: loss of function. Inheritance: Various modes of inheritance.

Submission:

Labcorp Genetics (formerly Invitae), Labcorp
Classification: Uncertain significance for Long QT syndrome. Last evaluated: 2025-08-29. Review status: criteria provided, single submitter. Criteria: Invitae Variant Classification Sherloc (09022015). Collection method: clinical testing. Allele origin: germline.
Comment: This sequence change replaces cysteine, which is neutral and slightly polar, with tryptophan, which is neutral and slightly polar, at codon 445 of the KCNH2 protein (p.Cys445Trp). This variant is not present in population databases (gnomAD no frequency). This variant has not been reported in the literature in individuals affected with KCNH2-related conditions. An algorithm developed to predict the effect of missense changes on protein structure and function (PolyPhen-2) suggests that this variant is likely to be disruptive. In summary, the available evidence is currently insufficient to determine the role of this variant in disease. Therefore, it has been classified as a Variant of Uncertain Significance.